The following is an entry in ClinVar:

NM_144633.3(KCNH8):c.2280G>A (p.Thr760=)

Gene: KCNH8 (potassium voltage-gated channel subfamily H member 8; plus strand). Cytogenetic location: 3p24.3.
Variant type: single nucleotide variant.
Coding change: c.2280G>A on transcript NM_144633.3 (MANE Select); coding-DNA position 2280, G replaced by A.
Protein change: p.Thr760=; no amino-acid change (threonine 760 retained).
Molecular consequence: synonymous variant.
Genome position (GRCh38, 1-based): chr3:19,513,170, G>A. VCF-style: chr3-19513170-G-A. GRCh37 (hg19) VCF-style: chr3-19554662-G-A.
Identifiers: ClinVar variation 2653623 (VCV002653623.24), dbSNP rs141916436, ClinGen allele CA2282926.
Genomic context (GRCh38, chr3:19,513,170, plus strand): 5'-GAAGGTTGGAAGCAATAAAGCCTACCTGGGCTTAAGCTTAAAGCAACTGGCCTCGGGAAC[G>A]GTGCCCTTTCACTCGCCTATCAGAGTCTCCAGGTCAAATTCCCCCAAAACCAAGCAGGAA-3'
Protein context (NP_653234.2, residues 750-770): GLSLKQLASG[Thr760=]VPFHSPIRVS

ClinVar aggregate classification (germline): Likely benign (1 of 4 stars; one submission).

Allele frequency attached by ClinVar (database versions not stated): 1000 Genomes Project 0.00120; 1000 Genomes Project 30x 0.00141; gnomAD 0.00198; ESP Exome Variant Server 0.00215; ExAC 0.00229; TOPMed 0.00269.
gnomAD v4.1: 2,905 of 1,613,876 alleles (0.18%); highest among the groups gnomAD compares: Middle Eastern, 1.2%; 12 homozygotes.

Submission:

CeGaT Center for Human Genetics Tuebingen
Classification: Likely benign. Last evaluated: 2023-02-01. Review status: criteria provided, single submitter. Criteria: CeGaT Center For Human Genetics Tuebingen Variant Classification Criteria Version 2. Collection method: clinical testing. Allele origin: germline. Affected: yes. Observed: 2 variant alleles.
Comment: KCNH8: BP4, BP7